The following is an entry in ClinVar:

ClinVar aggregate classification (germline): Uncertain significance. Review status: criteria provided, multiple submitters, no conflicts (2 of 4 stars). 2 submissions from 2 submitters: Uncertain significance (2). Last evaluated 2024-01-12.

Conditions:
Inborn genetic diseases. Identifiers: MedGen C0950123, MeSH D030342.

Submissions (2):

GeneDx
Classification: Uncertain significance. Last evaluated: 2024-01-12. Review status: criteria provided, single submitter. Criteria: GeneDx Variant Classification Process June 2021. Collection method: clinical testing. Allele origin: germline. Affected: yes.
Comment: Not observed at significant frequency in large population cohorts (gnomAD); In silico analysis supports that this missense variant does not alter protein structure/function; Has not been previously published as pathogenic or benign to our knowledge

Ambry Genetics
Classification: Uncertain significance for Inborn genetic diseases. Last evaluated: 2023-12-08. Review status: criteria provided, single submitter. Criteria: Ambry Variant Classification Scheme 2023. Collection method: clinical testing. Allele origin: germline.

NM_001256447.2(BCAP31):c.733G>A (p.Glu245Lys)

Gene: BCAP31 (B cell receptor associated protein 31; minus strand). Cytogenetic location: Xq28.
Variant type: single nucleotide variant.
Coding change: c.733G>A on transcript NM_001256447.2 (MANE Select); coding-DNA position 733, G replaced by A.
Protein change: p.Glu245Lys; replaces glutamic acid 245 with lysine.
Molecular consequence: missense variant.
Genome position (GRCh38, 1-based): chrX:153,700,945, C>T on the plus strand (G>A on the coding strand, the complement: BCAP31 is on the minus strand). VCF-style: chrX-153700945-C-T. GRCh37 (hg19) VCF-style: chrX-152966400-C-T.
Other names: c.733G>A, p.Glu245Lys (NM_001139441.1, NM_005745.8); c.934G>A, p.Glu312Lys (NM_001139457.2); short protein forms E245K, E312K.
Identifiers: ClinVar variation 3133238 (VCV003133238.2), dbSNP rs2522184810, ClinGen allele CA415092935.
Genomic context (GRCh38, chrX:153,700,945, plus strand): 5'-GCAGGCACGTGCCAGGTGGAAGCCAGCTGCAGGCAGGGGAGGAAGGAGGCCCTTACTCTT[C>T]CTTCTTGTCCATGGGACCATCTACTGCAGCCTGGAAAGGGACAGAAATCCCACAGCAGTA-3'
Protein context (NP_001243376.1, residues 235-246): AAVDGPMDKK[Glu245Lys]E